The following is an entry in ClinVar:

NM_000384.3(APOB):c.13399G>A (p.Ala4467Thr)

Gene: APOB (apolipoprotein B; minus strand). Cytogenetic location: 2p24.1.
Variant type: single nucleotide variant.
Coding change: c.13399G>A on transcript NM_000384.3 (MANE Select); coding-DNA position 13399, G replaced by A.
Protein change: p.Ala4467Thr; replaces alanine 4467 with threonine.
Molecular consequence: missense variant.
Genome position (GRCh38, 1-based): chr2:21,002,023, C>T on the plus strand (G>A on the coding strand, the complement: APOB is on the minus strand). VCF-style: chr2-21002023-C-T. GRCh37 (hg19) VCF-style: chr2-21224895-C-T.
Other names: short protein forms A4467T.
Identifiers: ClinVar variation 2636843 (VCV002636843.1), dbSNP rs1407600482, ClinGen allele CA345967489.

ClinVar aggregate classification (germline): Uncertain significance (1 of 4 stars; one submission).

Conditions:
APOB-related disorder. Also called: APOB-related disorders; APOB-related condition.

Allele frequency attached by ClinVar (database versions not stated): TOPMed below 0.00001; gnomAD exomes 0.00001.
gnomAD v4.1: 3 of 1,614,014 alleles (0.00019%); highest among the groups gnomAD compares: Non-Finnish European, 0.00025%; no homozygotes.

Submission:

PreventionGenetics, part of Exact Sciences
Classification: Uncertain significance for APOB-related condition. Last evaluated: 2023-03-28. Review status: criteria provided, single submitter. Criteria: ACMG Guidelines, 2015. Collection method: clinical testing. Allele origin: germline.
Comment: The APOB c.13399G>A variant is predicted to result in the amino acid substitution p.Ala4467Thr. To our knowledge, this variant has not been reported in the literature. This variant is reported in 0.0018% of alleles in individuals of European (Non-Finnish) descent in gnomAD. At this time, the clinical significance of this variant is uncertain due to the absence of conclusive functional and genetic evidence.